The following is an entry in ClinVar:

NM_002047.4(GARS1):c.881+290T>C

Gene: GARS1 (glycyl-tRNA synthetase 1; plus strand). Cytogenetic location: 7p14.3.
Variant type: single nucleotide variant.
Coding change: c.881+290T>C on transcript NM_002047.4 (MANE Select); 290 bases into the intron after coding-DNA position 881, T replaced by C.
Molecular consequence: intron variant.
Genome position (GRCh38, 1-based): chr7:30,610,020, T>C. VCF-style: chr7-30610020-T-C. GRCh37 (hg19) VCF-style: chr7-30649636-T-C.
Other names: c.719+290T>C (NM_001316772.1).
Identifiers: ClinVar variation 673570 (VCV000673570.1), dbSNP rs140249264, ClinGen allele CA12684324.

ClinVar aggregate classification (germline): Benign (1 of 4 stars; one submission).

Allele frequency attached by ClinVar (database versions not stated): 1000 Genomes Project 30x 0.00765; 1000 Genomes Project 0.00839; TOPMed 0.01232; gnomAD 0.01683 and 0.01756.
gnomAD v4.1: 2,591 of 152,278 alleles (1.7%); highest among the groups gnomAD compares: Non-Finnish European, 2.3%; 35 homozygotes.

Submission:

GeneDx
Classification: Benign. Last evaluated: 2018-06-16. Review status: criteria provided, single submitter. Criteria: GeneDx Variant Classification (06012015). Collection method: clinical testing. Allele origin: germline. Affected: yes.
Comment: This variant is considered likely benign or benign based on one or more of the following criteria: it is a conservative change, it occurs at a poorly conserved position in the protein, it is predicted to be benign by multiple in silico algorithms, and/or has population frequency not consistent with disease.